The following is an entry in ClinVar:

NM_000179.3(MSH6):c.3067G>T (p.Glu1023Ter)

Gene: MSH6 (mutS homolog 6; plus strand). Cytogenetic location: 2p16.3.
Variant type: single nucleotide variant.
Coding change: c.3067G>T on transcript NM_000179.3 (MANE Select); coding-DNA position 3067, G replaced by T.
Protein change: p.Glu1023Ter; replaces glutamic acid 1023 with a stop codon.
Molecular consequence: nonsense.
Genome position (GRCh38, 1-based): chr2:47,801,050, G>T. VCF-style: chr2-47801050-G-T. GRCh37 (hg19) VCF-style: chr2-48028189-G-T.
Other names: c.2677G>T, p.Glu893Ter (NM_001281492.2); c.2161G>T, p.Glu721Ter (NM_001281493.2, NM_001281494.2); short protein forms E1023*, E721*, E893*.
Identifiers: ClinVar variation 89336 (VCV000089336.22), dbSNP rs267608059, ClinGen allele CA011483.

ClinVar aggregate classification (germline): Pathogenic. Review status: reviewed by expert panel (3 of 4 stars). 8 submissions from 8 submitters: Pathogenic (1). 7 of the submissions do not count toward it. Last evaluated 2013-09-05.

Conditions:
Lynch syndrome. Identifiers: Orphanet 144, MedGen C4552100, MONDO:0005835. Disease mechanism: loss of function.
Lynch syndrome 5 (LYNCH5). Also called: Colorectal cancer, hereditary nonpolyposis, type 5; Hereditary non-polyposis colorectal cancer, type 5. Identifiers: Orphanet 144, MedGen C1833477, MONDO:0013710, OMIM 614350. Disease mechanism: loss of function.
Hereditary nonpolyposis colorectal neoplasms. Identifiers: MedGen C0009405, MeSH D003123.
Hereditary cancer-predisposing syndrome. Also called: Tumor predisposition; Hereditary Cancer Syndrome; Hereditary neoplastic syndrome; Neoplastic Syndromes, Hereditary. Identifiers: Orphanet 140162, MedGen C0027672, MeSH D009386, MONDO:0015356.

Submissions (8):

International Society for Gastrointestinal Hereditary Tumours (InSiGHT)
Classification: Pathogenic for Lynch Syndrome. Last evaluated: 2013-09-05. Review status: reviewed by expert panel. Criteria: Guidelines v1.9. Collection method: research. Allele origin: germline.
Comment: Coding sequence variation resulting in a stop codon

Classified with v1.9 guidelines

Center for Genomic Medicine, Rigshospitalet, Copenhagen University Hospital
Classification: Pathogenic. Last evaluated: 2025-03-04. Review status: criteria provided, single submitter. Criteria: ACMG Guidelines, 2015. Collection method: clinical testing. Allele origin: germline. Not counted in ClinVar's aggregate classification.

Molecular Pathology, Peter Maccallum Cancer Centre
Classification: Pathogenic for Lynch syndrome 5. Last evaluated: 2024-11-01. Review status: criteria provided, single submitter. Criteria: ACMG Guidelines, 2015. Collection method: clinical testing. Allele origin: germline. Inheritance: Autosomal dominant inheritance. Not counted in ClinVar's aggregate classification.

Ambry Genetics
Classification: Pathogenic for Hereditary cancer-predisposing syndrome. Last evaluated: 2024-05-30. Review status: criteria provided, single submitter. Criteria: Ambry Variant Classification Scheme 2023. Collection method: clinical testing. Allele origin: germline. Not counted in ClinVar's aggregate classification.
Comment: The p.E1023* pathogenic mutation (also known as c.3067G>T), located in coding exon 4 of the MSH6 gene, results from a G to T substitution at nucleotide position 3067. This changes the amino acid from a glutamic acid to a stop codon within coding exon 4. This mutation has been reported in multiple families with Lynch syndrome associated cancers (Nilbert M et al. Fam Cancer, 2009 Jun;8:75-83; Klarskov L et al. Am J Surg Pathol, 2011 Sep;35:1391-9; Okkels H et al. Appl. Immunohistochem. Mol. Morphol., 2012 Oct;20:470-7; Shirts BH et al. Genet Med, 2016 10;18:974-81). In addition to the clinical data presented in the literature, this alteration is expected to result in loss of function by premature protein truncation or nonsense-mediated mRNA decay. This variant is considered to be rare based on population cohorts in the Genome Aggregation Database (gnomAD). As such, this alteration is interpreted as a disease-causing mutation.

Laboratory for Molecular Medicine, Mass General Brigham Personalized Medicine
Classification: Pathogenic for Lynch syndrome. Last evaluated: 2023-09-19. Review status: criteria provided, single submitter. Criteria: ACMG Guidelines, 2015. Collection method: clinical testing. Allele origin: germline. Inheritance: Autosomal dominant inheritance. Not counted in ClinVar's aggregate classification.
Comment: The p.Glu1023X variant in MSH6 has been reported in 2 individuals with Lynch syndrome associated cancers, including colorectal cancer and endometrial cancer and segregated with disease in 1 affected relative. Tumors sampled from 1 individual lacked MSH6 expression by immunohistochemistry (IHC), whereas the tumor from the affected relative showed normal MSH6 by IHC (Nilbert 2009 PMID: 18566915, Klarskov 2011 PMID: 21836479, Shirts 2016 PMID: 26845104). This variant was absent from large population studies (gnomAD v.3.1.2). This nonsense variant leads to a premature termination codon at position 1023, which is predicted to lead to a truncated or absent protein. Heterozygous loss of function of the MSH6 gene is an established disease mechanism in autosomal dominant Lynch syndrome. Additionally, this variant was classified as Pathogenic on Sep 5, 2013 by the ClinGen-approved InSiGHT expert panel (Variation ID 89336). In summary, this variant meets criteria to be classified as pathogenic for autosomal dominant Lynch syndrome. ACMG/AMP Criteria applied: PVS1, PM2_Supporting, PS4_Supporting, PS3_Supporting.

Myriad Genetics, Inc.
Classification: Pathogenic for Lynch syndrome 5. Last evaluated: 2023-08-22. Review status: criteria provided, single submitter. Criteria: Myriad Autosomal Dominant, Autosomal Recessive and X-Linked Classification Criteria (2023). Collection method: clinical testing. Allele origin: unknown. Not counted in ClinVar's aggregate classification.
Comment: This variant is considered pathogenic. This variant creates a termination codon and is predicted to result in premature protein truncation.

Labcorp Genetics (formerly Invitae), Labcorp
Classification: Pathogenic for Hereditary nonpolyposis colorectal neoplasms. Last evaluated: 2022-08-16. Review status: criteria provided, single submitter. Criteria: Invitae Variant Classification Sherloc (09022015). Collection method: clinical testing. Allele origin: germline. Not counted in ClinVar's aggregate classification.
Comment: This variant is not present in population databases (gnomAD no frequency). For these reasons, this variant has been classified as Pathogenic. ClinVar contains an entry for this variant (Variation ID: 89336). This premature translational stop signal has been observed in individual(s) with Lynch syndrome and endometrial and breast cancer (PMID: 18566915, 21836479, 22495361, 26845104). This sequence change creates a premature translational stop signal (p.Glu1023*) in the MSH6 gene. It is expected to result in an absent or disrupted protein product. Loss-of-function variants in MSH6 are known to be pathogenic (PMID: 18269114, 24362816).

University of Washington Department of Laboratory Medicine, University of Washington
Classification: Pathogenic for Hereditary nonpolyposis colon cancer. Last evaluated: 2015-11-20. Review status: criteria provided, single submitter. Criteria: Shirts et al. (Genet Med 2016). Collection method: clinical testing. Allele origin: germline. Affected: yes. Observed: 1 variant allele. Not counted in ClinVar's aggregate classification.

Literature cited by the submitters: PubMed 18566915 (cited by 4 submitters); PubMed 21836479 (cited by 3 submitters); PubMed 22495361 (cited by Ambry Genetics and Labcorp Genetics (formerly Invitae), Labcorp); PubMed 26845104 (cited by 3 submitters); PubMed 18269114 (cited by Labcorp Genetics (formerly Invitae), Labcorp); PubMed 24362816 (cited by Labcorp Genetics (formerly Invitae), Labcorp).